The following is an entry in ClinVar:

NM_170707.4(LMNA):c.126G>A (p.Leu42=)

Gene: LMNA (lamin A/C; plus strand). Cytogenetic location: 1q22.
Variant type: single nucleotide variant.
Coding change: c.126G>A on transcript NM_170707.4 (MANE Select); coding-DNA position 126, G replaced by A.
Protein change: p.Leu42=; no amino-acid change (leucine 42 retained).
Molecular consequence: synonymous variant. On other transcripts: 5 prime UTR variant (8), intron variant (2).
Genome position (GRCh38, 1-based): chr1:156,115,044, G>A. VCF-style: chr1-156115044-G-A. GRCh37 (hg19) VCF-style: chr1-156084835-G-A.
Other names: c.126G>A, p.Leu42= (NM_001282625.2, NM_001282626.2, NM_001406983.1 and 6 more transcripts); c.-298G>A (NM_001406986.1); c.-276G>A (NM_001406990.1, NM_001406995.1, NM_001407002.1); c.-539G>A (NM_001406994.1, NM_001407000.1); c.-719G>A (NM_001406999.1); c.-382G>A (NM_001407001.1); c.-203+8221G>A (NM_001406993.1, NM_001407003.1).
Identifiers: ClinVar variation 3387001 (VCV003387001.1).

ClinVar aggregate classification (germline): Likely benign (1 of 4 stars; one submission).

Conditions:
Primary dilated cardiomyopathy (DCM). Also called: Dilated Cardiomyopathy. Identifiers: Orphanet 217604, MedGen C0007193, MeSH D002311, MONDO:0005021, HP:0001644. Inheritance: Various modes of inheritance.

Submission:

All of Us Research Program, National Institutes of Health
Classification: Likely benign for Primary dilated cardiomyopathy. Last evaluated: 2024-06-09. Review status: criteria provided, single submitter. Criteria: ACMG Guidelines, 2015. Collection method: clinical testing. Allele origin: germline. Inheritance: Autosomal dominant inheritance. Observed: 2 variant alleles, 2 heterozygotes.
Comment: This study involves interpretation of variants in research participants for the purpose of population health screening. Participant phenotype was not available at the time of variant classification. Additional details can be found in publication PMID: 35346344, PMCID: PMC8962531